The following is an entry in ClinVar:

ClinVar aggregate classification (germline): Uncertain significance (1 of 4 stars; one submission).

Conditions:
Beckwith-Wiedemann syndrome (BWS). Also called: EMG SYNDROME; Exomphalos macroglossia gigantism syndrome. Identifiers: Orphanet 116, MedGen C0004903, MONDO:0007534, OMIM 130650.

Submission:

Labcorp Genetics (formerly Invitae), Labcorp
Classification: Uncertain significance for Beckwith-Wiedemann syndrome. Last evaluated: 2023-01-25. Review status: criteria provided, single submitter. Criteria: Invitae Variant Classification Sherloc (09022015). Collection method: clinical testing. Allele origin: germline.
Comment: Advanced modeling of protein sequence and biophysical properties (such as structural, functional, and spatial information, amino acid conservation, physicochemical variation, residue mobility, and thermodynamic stability) performed at Invitae indicates that this missense variant is not expected to disrupt CDKN1C protein function. In summary, the available evidence is currently insufficient to determine the role of this variant in disease. Therefore, it has been classified as a Variant of Uncertain Significance. This variant has not been reported in the literature in individuals affected with CDKN1C-related conditions. The frequency data for this variant in the population databases is considered unreliable, as metrics indicate insufficient coverage at this position in the gnomAD database. This sequence change replaces proline, which is neutral and non-polar, with glutamine, which is neutral and polar, at codon 204 of the CDKN1C protein (p.Pro204Gln).

NM_001122630.2(CDKN1C):c.578C>A (p.Pro193Gln)

Gene: CDKN1C (cyclin dependent kinase inhibitor 1C; minus strand). Cytogenetic location: 11p15.4.
Variant type: single nucleotide variant.
Coding change: c.578C>A on transcript NM_001122630.2 (MANE Select); coding-DNA position 578, C replaced by A.
Protein change: p.Pro193Gln; replaces proline 193 with glutamine.
Molecular consequence: missense variant. On other transcripts: intron variant (1).
Genome position (GRCh38, 1-based): chr11:2,884,879, G>T on the plus strand (C>A on the coding strand, the complement: CDKN1C is on the minus strand). VCF-style: chr11-2884879-G-T. GRCh37 (hg19) VCF-style: chr11-2906109-G-T.
Other names: c.611C>A, p.Pro204Gln (NM_000076.2, NM_001362474.2); c.578C>A, p.Pro193Gln (NM_001122631.2); c.255+323C>A (NM_001362475.2); short protein forms P193Q, P204Q.
Identifiers: ClinVar variation 2831809 (VCV002831809.3), dbSNP rs2583440, ClinGen allele CA379146313.